The following is an entry in ClinVar:

ClinVar aggregate classification (germline): Uncertain significance. Review status: criteria provided, multiple submitters, no conflicts (2 of 4 stars). 2 submissions from 2 submitters: Uncertain significance (2). Last evaluated 2025-10-13.

Allele frequency attached by ClinVar (database versions not stated): ExAC 0.00002; gnomAD exomes 0.00003 and 0.00008; gnomAD 0.00005 and 0.00006; TOPMed 0.00008.
gnomAD v4.1: 121 of 1,517,714 alleles (0.008%); highest among the groups gnomAD compares: Admixed American, 0.015%; no homozygotes.

Submissions (2):

Labcorp Genetics (formerly Invitae), Labcorp
Classification: Uncertain significance. Last evaluated: 2025-10-13. Review status: criteria provided, single submitter. Criteria: Invitae Variant Classification Sherloc (09022015). Collection method: clinical testing. Allele origin: germline.
Comment: This sequence change replaces glutamic acid, which is acidic and polar, with lysine, which is basic and polar, at codon 110 of the GINS1 protein (p.Glu110Lys). This variant is present in population databases (rs745982521, gnomAD 0.006%). This variant has not been reported in the literature in individuals affected with GINS1-related conditions. ClinVar contains an entry for this variant (Variation ID: 1438123). An algorithm developed to predict the effect of missense changes on protein structure and function (PolyPhen-2) suggests that this variant is likely to be disruptive. In summary, the available evidence is currently insufficient to determine the role of this variant in disease. Therefore, it has been classified as a Variant of Uncertain Significance.

Ambry Genetics
Classification: Uncertain significance. Last evaluated: 2025-06-22. Review status: criteria provided, single submitter. Criteria: Ambry Variant Classification Scheme 2023. Collection method: clinical testing. Allele origin: germline.

NM_021067.5(GINS1):c.328G>A (p.Glu110Lys)

Gene: GINS1 (GINS complex subunit 1; plus strand). Cytogenetic location: 20p11.21.
Variant type: single nucleotide variant.
Coding change: c.328G>A on transcript NM_021067.5 (MANE Select); coding-DNA position 328, G replaced by A.
Protein change: p.Glu110Lys; replaces glutamic acid 110 with lysine.
Molecular consequence: missense variant. On other transcripts: non-coding transcript variant (1).
Genome position (GRCh38, 1-based): chr20:25,418,193, G>A. VCF-style: chr20-25418193-G-A. GRCh37 (hg19) VCF-style: chr20-25398829-G-A.
Other names: c.328G>A (NM_021067.3); short protein forms E110K.
Identifiers: ClinVar variation 1438123 (VCV001438123.8), dbSNP rs745982521, ClinGen allele CA9796511.